The following is an entry in ClinVar:

ClinVar aggregate classification (germline): Likely pathogenic (1 of 4 stars; one submission).

Conditions:
Snijders Blok-Campeau syndrome. Also called: INTELLECTUAL DEVELOPMENTAL DISORDER WITH MACROCEPHALY, SPEECH DELAY, AND DYSMORPHIC FACIES. Identifiers: Orphanet 599082, MedGen C4748701, MONDO:0032600, OMIM 618205.

Submission:

Molecular Genetics Laboratory, Motol Hospital
Classification: Likely pathogenic for Snijders Blok-Campeau syndrome. Last evaluated: 2025-09-26. Review status: criteria provided, single submitter. Criteria: ACMG Guidelines, 2015. Collection method: clinical testing. Allele origin: de novo. Affected: yes. Observed: 1 variant allele.
Comment: Not present in gnomAD (v4.1.0), dbSNP or ClinVar (PM2). Rare variants affecting the CHD3 gene are associated with autosomal dominant "Snijders Blok-Campeau syndrome" (MIM:618205;PMID:30397230;PMID:32483341;PMID:35346573) (PP2). In silico prediction tools support the deleterious effect on the gene (PP3). To conclude, the variant is classified as pathogenic (ACMG PM2, PP3, PP2, PS2).

Literature cited by the submitters: PubMed 30397230; PubMed 32483341; PubMed 35346573.

NM_001005273.3(CHD3):c.4127A>G (p.Glu1376Gly)

Gene: CHD3 (chromodomain helicase DNA binding protein 3; plus strand). Cytogenetic location: 17p13.1.
Variant type: single nucleotide variant.
Coding change: c.4127A>G on transcript NM_001005273.3 (MANE Select); coding-DNA position 4127, A replaced by G.
Protein change: p.Glu1376Gly; replaces glutamic acid 1376 with glycine.
Molecular consequence: missense variant.
Genome position (GRCh38, 1-based): chr17:7,905,154, A>G. VCF-style: chr17-7905154-A-G. GRCh37 (hg19) VCF-style: chr17-7808472-A-G.
Other names: c.4304A>G, p.Glu1435Gly (NM_001005271.3, NM_001437504.1); c.4292A>G, p.Glu1431Gly (NM_001437507.1, NM_001437508.1, NM_001437509.1); c.4127A>G, p.Glu1376Gly (NM_005852.4); short protein forms E1376G, E1431G, E1435G.
Identifiers: ClinVar variation 4087719 (VCV004087719.1).